The following is an entry in ClinVar:

NM_014484.5(MOCS3):c.85G>T (p.Ala29Ser)

Gene: MOCS3 (molybdenum cofactor synthesis 3; plus strand). Cytogenetic location: 20q13.13.
Variant type: single nucleotide variant.
Coding change: c.85G>T on transcript NM_014484.5 (MANE Select); coding-DNA position 85, G replaced by T.
Protein change: p.Ala29Ser; replaces alanine 29 with serine.
Molecular consequence: missense variant.
Genome position (GRCh38, 1-based): chr20:50,958,927, G>T. VCF-style: chr20-50958927-G-T. GRCh37 (hg19) VCF-style: chr20-49575464-G-T.
Other names: short protein forms A29S.
Identifiers: ClinVar variation 1371864 (VCV001371864.6), dbSNP rs773090688, ClinGen allele CA408981778.

ClinVar aggregate classification (germline): Uncertain significance (1 of 4 stars; one submission).

Submission:

Labcorp Genetics (formerly Invitae), Labcorp
Classification: Uncertain significance. Last evaluated: 2021-08-02. Review status: criteria provided, single submitter. Criteria: Invitae Variant Classification Sherloc (09022015). Collection method: clinical testing. Allele origin: germline.
Comment: In summary, the available evidence is currently insufficient to determine the role of this variant in disease. Therefore, it has been classified as a Variant of Uncertain Significance. Algorithms developed to predict the effect of missense changes on protein structure and function (SIFT, PolyPhen-2, Align-GVGD) all suggest that this variant is likely to be tolerated. This variant has not been reported in the literature in individuals affected with MOCS3-related conditions. This variant is not present in population databases (ExAC no frequency). This sequence change replaces alanine with serine at codon 29 of the MOCS3 protein (p.Ala29Ser). The alanine residue is moderately conserved and there is a moderate physicochemical difference between alanine and serine.